The following is an entry in ClinVar:

ClinVar aggregate classification (germline): Uncertain significance (1 of 4 stars; one submission).

Conditions:
Intellectual developmental disorder, X-linked, syndromic, Billuart type. Also called: MENTAL RETARDATION, X-LINKED 60; X-linked intellectual disability-cerebellar hypoplasia syndrome. Identifiers: Orphanet 137831, MedGen C1845366, MONDO:0010337, OMIM 300486.

Submission:

Human Neuroscience, La Sapienza University of Rome
Classification: Uncertain significance for Intellectual developmental disorder, X-linked, syndromic, Billuart type. Review status: criteria provided, single submitter. Criteria: ACMG Guidelines, 2015. Collection method: clinical testing. Allele origin: maternal. Inheritance: X-linked inheritance. Affected: yes. Observed: 1 variant allele, 1 hemizygote.
Comment: The variant has been identified in a single family. It has been classified as "of unknown significance" based on ACMG criteria (PM2)

NM_002547.3(OPHN1):c.2129C>T (p.Ala710Val)

Gene: OPHN1 (oligophrenin 1; minus strand). Cytogenetic location: Xq12.
Variant type: single nucleotide variant.
Coding change: c.2129C>T on transcript NM_002547.3 (MANE Select); coding-DNA position 2129, C replaced by T.
Protein change: p.Ala710Val; replaces alanine 710 with valine.
Molecular consequence: missense variant.
Genome position (GRCh38, 1-based): chrX:68,063,883, G>A on the plus strand (C>T on the coding strand, the complement: OPHN1 is on the minus strand). VCF-style: chrX-68063883-G-A. GRCh37 (hg19) VCF-style: chrX-67283725-G-A.
Other names: short protein forms A710V.
Identifiers: ClinVar variation 995997 (VCV000995997.3), dbSNP rs2076902830, ClinGen allele CA413430177.